The following is an entry in ClinVar:

ClinVar aggregate classification (germline): Uncertain significance. Review status: criteria provided, multiple submitters, no conflicts (2 of 4 stars). 4 submissions from 4 submitters: Uncertain significance (4). Last evaluated 2025-07-15.

Conditions:
Exudative vitreoretinopathy 4 (EVR4). Identifiers: Orphanet 891, MedGen C1866176, MONDO:0011151, OMIM 601813.
Osteoporosis with pseudoglioma (OPPG). Also called: osteoporosis-pseudoglioma syndrome. Identifiers: Orphanet 2788, MedGen C0432252, MONDO:0009820, OMIM 259770.
Autosomal dominant osteopetrosis 1 (OPTA1). Also called: OSTEOPETROSIS, AUTOSOMAL DOMINANT, TYPE I. Identifiers: Orphanet 2783, MedGen C1843330, MONDO:0011877, OMIM 607634.
Bone mineral density quantitative trait locus 1 (BMND1). Identifiers: MedGen C1866079, OMIM 601884.
Worth disease. Also called: Autosomal dominant osteosclerosis, Worth type; ENDOSTEAL HYPEROSTOSIS, AUTOSOMAL DOMINANT; OSTEOSCLEROSIS, AUTOSOMAL DOMINANT. Identifiers: Orphanet 2790, MedGen C0432273, MONDO:0007764, OMIM 144750.
Polycystic liver disease 4 with or without kidney cysts. Identifiers: MedGen C4693479, MONDO:0044327, OMIM 617875.
Inborn genetic diseases. Identifiers: MedGen C0950123, MeSH D030342.

Allele frequency attached by ClinVar (database versions not stated): gnomAD exomes below 0.00001 and 0.00002; TOPMed 0.00001.
gnomAD v4.1: 31 of 1,612,608 alleles (0.0019%); highest among the groups gnomAD compares: Non-Finnish European, 0.0026%; no homozygotes.

Submissions (4):

Ambry Genetics
Classification: Uncertain significance for Inborn genetic diseases. Last evaluated: 2025-07-15. Review status: criteria provided, single submitter. Criteria: Ambry Variant Classification Scheme 2023. Collection method: clinical testing. Allele origin: germline.

GeneDx
Classification: Uncertain significance. Last evaluated: 2025-05-15. Review status: criteria provided, single submitter. Criteria: GeneDx Variant Classification Process June 2021. Collection method: clinical testing. Allele origin: germline. Affected: yes.
Comment: Not observed at significant frequency in large population cohorts (gnomAD); In silico analysis supports that this missense variant has a deleterious effect on protein structure/function; Has not been previously published as pathogenic or benign to our knowledge

Labcorp Genetics (formerly Invitae), Labcorp
Classification: Uncertain significance. Last evaluated: 2024-07-04. Review status: criteria provided, single submitter. Criteria: Invitae Variant Classification Sherloc (09022015). Collection method: clinical testing. Allele origin: germline.
Comment: This sequence change replaces glycine, which is neutral and non-polar, with serine, which is neutral and polar, at codon 1319 of the LRP5 protein (p.Gly1319Ser). This variant is present in population databases (no rsID available, gnomAD 0.0009%). This variant has not been reported in the literature in individuals affected with LRP5-related conditions. ClinVar contains an entry for this variant (Variation ID: 936524). Advanced modeling of protein sequence and biophysical properties (such as structural, functional, and spatial information, amino acid conservation, physicochemical variation, residue mobility, and thermodynamic stability) has been performed at Invitae for this missense variant, however the output from this modeling did not meet the statistical confidence thresholds required to predict the impact of this variant on LRP5 protein function. In summary, the available evidence is currently insufficient to determine the role of this variant in disease. Therefore, it has been classified as a Variant of Uncertain Significance.

Fulgent Genetics
Classification: Uncertain significance for Worth disease; Osteoporosis with pseudoglioma; Exudative vitreoretinopathy 4; Bone mineral density quantitative trait locus 1; Autosomal dominant osteopetrosis 1; Polycystic liver disease 4 with or without kidney cysts. Last evaluated: 2024-02-16. Review status: criteria provided, single submitter. Criteria: ACMG Guidelines, 2015. Collection method: clinical testing. Allele origin: germline.

NM_002335.4(LRP5):c.3955G>A (p.Gly1319Ser)

Gene: LRP5 (LDL receptor related protein 5; plus strand). Cytogenetic location: 11q13.2.
Variant type: single nucleotide variant.
Coding change: c.3955G>A on transcript NM_002335.4 (MANE Select); coding-DNA position 3955, G replaced by A.
Protein change: p.Gly1319Ser; replaces glycine 1319 with serine.
Molecular consequence: missense variant.
Genome position (GRCh38, 1-based): chr11:68,433,793, G>A. VCF-style: chr11-68433793-G-A. GRCh37 (hg19) VCF-style: chr11-68201261-G-A.
Other names: c.3955G>A (NM_002335.2); c.2212G>A, p.Gly738Ser (NM_001291902.2); short protein forms G1319S, G738S.
Identifiers: ClinVar variation 936524 (VCV000936524.14), dbSNP rs968164869, ClinGen allele CA224251093.